The following is an entry in ClinVar:

NM_000051.4(ATM):c.1192G>A (p.Asp398Asn)

Gene: ATM (ATM serine/threonine kinase; plus strand). Cytogenetic location: 11q22.3.
Variant type: single nucleotide variant.
Coding change: c.1192G>A on transcript NM_000051.4 (MANE Select); coding-DNA position 1192, G replaced by A.
Protein change: p.Asp398Asn; replaces aspartic acid 398 with asparagine.
Molecular consequence: missense variant.
Genome position (GRCh38, 1-based): chr11:108,249,059, G>A. VCF-style: chr11-108249059-G-A. GRCh37 (hg19) VCF-style: chr11-108119786-G-A.
Other names: c.1192G>A, p.Asp398Asn (NM_001351834.2); short protein forms D398N.
Identifiers: ClinVar variation 230905 (VCV000230905.29), dbSNP rs876658833, ClinGen allele CA10579001.

ClinVar aggregate classification (germline): Uncertain significance. Review status: criteria provided, multiple submitters, no conflicts (2 of 4 stars). 7 submissions from 7 submitters: Uncertain significance (6). 1 of the submissions does not count toward it. Last evaluated 2025-11-25.

Conditions:
ATM-related disorder. Also called: ATM-related disorders; ATM-related condition.
Hereditary cancer-predisposing syndrome. Also called: Neoplastic Syndromes, Hereditary; Tumor predisposition; Hereditary Cancer Syndrome; Hereditary neoplastic syndrome. Identifiers: Orphanet 140162, MedGen C0027672, MeSH D009386, MONDO:0015356.
Ataxia-telangiectasia syndrome (AT). Also called: Cerebello-oculocutaneous telangiectasia; Immunodeficiency with ataxia telangiectasia; ATAXIA-TELANGIECTASIA, COMPLEMENTATION GROUP A; ATAXIA-TELANGIECTASIA, FRESNO VARIANT; Ataxia-telangiectasia; Ataxia-telangiectasia, complementation group E. Identifiers: Orphanet 100, MedGen C0004135, MONDO:0008840, OMIM 208900.

Allele frequency attached by ClinVar (database versions not stated): gnomAD exomes below 0.00001; gnomAD 0.00001.
gnomAD v4.1: 2 of 1,613,870 alleles (0.00012%); highest among the groups gnomAD compares: Admixed American, 0.0033%; no homozygotes.

Submissions (7):

Labcorp Genetics (formerly Invitae), Labcorp
Classification: Uncertain significance for Ataxia-telangiectasia syndrome. Last evaluated: 2025-11-25. Review status: criteria provided, single submitter. Criteria: Invitae Variant Classification Sherloc (09022015). Collection method: clinical testing. Allele origin: germline.
Comment: This sequence change replaces aspartic acid, which is acidic and polar, with asparagine, which is neutral and polar, at codon 398 of the ATM protein (p.Asp398Asn). This variant is present in population databases (no rsID available, gnomAD 0.003%). This variant has not been reported in the literature in individuals affected with ATM-related conditions. ClinVar contains an entry for this variant (Variation ID: 230905). Invitae Evidence Modeling of protein sequence and biophysical properties (such as structural, functional, and spatial information, amino acid conservation, physicochemical variation, residue mobility, and thermodynamic stability) indicates that this missense variant is not expected to disrupt ATM protein function with a negative predictive value of 95%. In summary, the available evidence is currently insufficient to determine the role of this variant in disease. Therefore, it has been classified as a Variant of Uncertain Significance.

PreventionGenetics, part of Exact Sciences
Classification: Uncertain significance for ATM-related condition. Last evaluated: 2025-07-28. Review status: criteria provided, single submitter. Criteria: ACMG Guidelines, 2015. Collection method: clinical testing. Allele origin: germline.
Comment: The ATM c.1192G>A variant is predicted to result in the amino acid substitution p.Asp398Asn. To our knowledge, this variant has not been reported in the literature. This variant is reported in 0.0029% of alleles in individuals of Latino descent in gnomAD and is reported as a variant of uncertain significance in ClinVar (Variation ID: 230905). At this time, the clinical significance of this variant is uncertain due to the absence of conclusive functional and genetic evidence.

Ambry Genetics
Classification: Uncertain significance for Hereditary cancer-predisposing syndrome. Last evaluated: 2025-04-16. Review status: criteria provided, single submitter. Criteria: Ambry Variant Classification Scheme 2023. Collection method: clinical testing. Allele origin: germline.
Comment: The p.D398N variant (also known as c.1192G>A), located in coding exon 8 of the ATM gene, results from a G to A substitution at nucleotide position 1192. The aspartic acid at codon 398 is replaced by asparagine, an amino acid with highly similar properties. Based on protein sequence alignment, this amino acid position is highly conserved through repotiles, but not in lower species. In addition, this alteration is predicted to be tolerated by in silico analysis. Since supporting evidence is limited at this time, the clinical significance of this alteration remains unclear.

GeneDx
Classification: Uncertain significance. Last evaluated: 2024-03-14. Review status: criteria provided, single submitter. Criteria: GeneDx Variant Classification Process June 2021. Collection method: clinical testing. Allele origin: germline. Affected: yes.
Comment: Not observed at significant frequency in large population cohorts (gnomAD); In silico analysis supports that this missense variant has a deleterious effect on protein structure/function; Has not been previously published as pathogenic or benign to our knowledge

Color Diagnostics, LLC DBA Color Health
Classification: Uncertain significance for Hereditary cancer-predisposing syndrome. Last evaluated: 2023-10-31. Review status: criteria provided, single submitter. Criteria: ACMG Guidelines, 2015. Collection method: clinical testing. Allele origin: germline.
Comment: This missense variant replaces aspartic acid with asparagine at codon 398 of the ATM protein. Computational prediction suggests that this variant may not impact protein structure and function (internally defined REVEL score threshold <= 0.5, PMID: 27666373). To our knowledge, functional studies have not been reported for this variant. This variant has not been reported in individuals affected with ATM-related disorders in the literature. This variant has been identified in 1/251238 chromosomes in the general population by the Genome Aggregation Database (gnomAD). The available evidence is insufficient to determine the role of this variant in disease conclusively. Therefore, this variant is classified as a Variant of Uncertain Significance.

Women's Health and Genetics/Laboratory Corporation of America, LabCorp
Classification: Uncertain significance. Last evaluated: 2022-10-09. Review status: criteria provided, single submitter. Criteria: LabCorp Variant Classification Summary - May 2015. Collection method: clinical testing. Allele origin: germline.

Natera, Inc.
Classification: Uncertain significance for Ataxia-telangiectasia. Last evaluated: 2020-09-16. Review status: no assertion criteria provided. Collection method: clinical testing. Allele origin: germline. Not counted in ClinVar's aggregate classification.